The following is an entry in ClinVar:

NM_000238.4(KCNH2):c.238G>A (p.Ala80Thr)

Gene: KCNH2 (potassium voltage-gated channel subfamily H member 2; minus strand). Cytogenetic location: 7q36.1.
Variant type: single nucleotide variant.
Coding change: c.238G>A on transcript NM_000238.4 (MANE Select); coding-DNA position 238, G replaced by A.
Protein change: p.Ala80Thr; replaces alanine 80 with threonine.
Molecular consequence: missense variant.
Genome position (GRCh38, 1-based): chr7:150,974,780, C>T on the plus strand (G>A on the coding strand, the complement: KCNH2 is on the minus strand). VCF-style: chr7-150974780-C-T. GRCh37 (hg19) VCF-style: chr7-150671868-C-T.
Other names: c.61G>A, p.Ala21Thr (NM_001406755.1); c.238G>A, p.Ala80Thr (NM_172056.3); short protein forms A80T, A21T.
Identifiers: ClinVar variation 1311334 (VCV001311334.4), dbSNP rs199473037, ClinGen allele CA369865511.
Genomic context (GRCh38, chr7:150,974,780, plus strand): 5'-GGTAGAAGGCGATTTCCACTTTGCGCTCCTCGGCGCCCAGCAGTGCCTGCGCGATCTGCG[C>T]GGCAGCGCGGCGCTGCGTGCGCGGCCCGTGCAGGAAGTCGCAGGTGCAGGGTCGCTGCAT-3'
Protein context (NP_000229.1, residues 70-90): HGPRTQRRAA[Ala80Thr]QIAQALLGAE

ClinVar aggregate classification (germline): Uncertain significance (1 of 4 stars; one submission).

Submission:

GeneDx
Classification: Uncertain significance. Last evaluated: 2019-12-27. Review status: criteria provided, single submitter. Criteria: GeneDx Variant Classification Process June 2021. Collection method: clinical testing. Allele origin: germline. Affected: yes.
Comment: Has not been previously published as pathogenic or benign to our knowledge; Not observed in large population cohorts (Lek et al., 2016); In silico analysis, which includes protein predictors and evolutionary conservation, supports that this variant does not alter protein structure/function